The following is an entry in ClinVar:

NM_203446.3(SYNJ1):c.*188T>C

Gene: SYNJ1 (synaptojanin 1; minus strand). Cytogenetic location: 21q22.11.
Variant type: single nucleotide variant.
Coding change: c.*188T>C on transcript NM_203446.3 (MANE Select); 188 bases downstream of the stop codon, T replaced by C.
Molecular consequence: 3 prime UTR variant. On other transcripts: missense variant (2).
Genome position (GRCh38, 1-based): chr21:32,631,617, A>G on the plus strand (T>C on the coding strand, the complement: SYNJ1 is on the minus strand). VCF-style: chr21-32631617-A-G. GRCh37 (hg19) VCF-style: chr21-34003927-A-G.
Other names: c.*188T>C (NM_001160302.2); c.3959T>C, p.Leu1320Ser (NM_001160306.2); c.4217T>C, p.Leu1406Ser (NM_003895.4); short protein forms L1406S, L1320S.
Identifiers: ClinVar variation 544552 (VCV000544552.28), dbSNP rs866258846, ClinGen allele CA319450227.

ClinVar aggregate classification (germline): Uncertain significance. Review status: criteria provided, multiple submitters, no conflicts (2 of 4 stars). 2 submissions from 2 submitters: Uncertain significance (2). Last evaluated 2025-01-06.

Conditions:
Early-onset Parkinson disease 20. Also called: PARKINSON DISEASE 20, AUTOSOMAL RECESSIVE EARLY-ONSET. Identifiers: Orphanet 391411, MedGen C3809824, MONDO:0014233, OMIM 615530.
Developmental and epileptic encephalopathy, 53. Also called: Epileptic encephalopathy, early infantile, 53. Identifiers: MedGen C4479313, MONDO:0033362, OMIM 617389.

Allele frequency attached by ClinVar (database versions not stated): TOPMed 0.00033.

Submissions (2):

Labcorp Genetics (formerly Invitae), Labcorp
Classification: Uncertain significance for Developmental and epileptic encephalopathy, 53; Early-onset Parkinson disease 20. Last evaluated: 2025-01-06. Review status: criteria provided, single submitter. Criteria: Invitae Variant Classification Sherloc (09022015). Collection method: clinical testing. Allele origin: germline.
Comment: This sequence change replaces leucine, which is neutral and non-polar, with serine, which is neutral and polar, at codon 1406 of the SYNJ1 protein (p.Leu1406Ser). This variant is not present in population databases (gnomAD no frequency). This variant has not been reported in the literature in individuals affected with SYNJ1-related conditions. ClinVar contains an entry for this variant (Variation ID: 544552). An algorithm developed to predict the effect of missense changes on protein structure and function (PolyPhen-2) suggests that this variant¬¨‚Ä†is likely to be tolerated. In summary, the available evidence is currently insufficient to determine the role of this variant in disease. Therefore, it has been classified as a Variant of Uncertain Significance.

CeGaT Center for Human Genetics Tuebingen
Classification: Uncertain significance. Last evaluated: 2022-08-01. Review status: criteria provided, single submitter. Criteria: CeGaT Center For Human Genetics Tuebingen Variant Classification Criteria Version 2. Collection method: clinical testing. Allele origin: germline. Affected: yes. Observed: 1 variant allele.
Comment: SYNJ1: PM2